The following is an entry in ClinVar:

ClinVar aggregate classification (germline): Uncertain significance (1 of 4 stars; one submission).

Submission:

GeneDx
Classification: Uncertain significance. Last evaluated: 2021-01-22. Review status: criteria provided, single submitter. Criteria: GeneDx Variant Classification Process June 2021. Collection method: clinical testing. Allele origin: germline. Affected: yes.
Comment: Has not been previously published as pathogenic or benign to our knowledge; In silico analysis supports that this missense variant has a deleterious effect on protein structure/function; In-silico analysis is inconclusive as to whether the variant alters gene splicing. In the absence of RNA/functional studies, the actual effect of this sequence change is unknown.; Not observed in large population cohorts (Lek et al., 2016)

NM_005523.6(HOXA11):c.353C>T (p.Pro118Leu)

Genes: HOXA11 (homeobox A11; minus strand), LOC107126281 (NUP98-HOXA11 recombination region; plus strand). Cytogenetic location: 7p15.2.
Variant type: single nucleotide variant.
Coding change: c.353C>T on transcript NM_005523.6 (MANE Select); coding-DNA position 353, C replaced by T.
Protein change: p.Pro118Leu; replaces proline 118 with leucine.
Molecular consequence: missense variant.
Genome position (GRCh38, 1-based): chr7:27,184,792, G>A on the plus strand (C>T on the coding strand, the complement: HOXA11 is on the minus strand). VCF-style: chr7-27184792-G-A. GRCh37 (hg19) VCF-style: chr7-27224411-G-A.
Other names: short protein forms P118L.
Identifiers: ClinVar variation 1313875 (VCV001313875.2), dbSNP rs2115462873, ClinGen allele CA367107045.